The following is an entry in ClinVar:

NM_001348716.2(KDM6B):c.3796T>G (p.Trp1266Gly)

Genes: KDM6B (lysine demethylase 6B; plus strand), LOC121587574 (Sharpr-MPRA regulatory region 3930; plus strand). Cytogenetic location: 17p13.1.
Variant type: single nucleotide variant.
Coding change: c.3796T>G on transcript NM_001348716.2 (MANE Select); coding-DNA position 3796, T replaced by G.
Protein change: p.Trp1266Gly; replaces tryptophan 1266 with glycine.
Molecular consequence: missense variant.
Genome position (GRCh38, 1-based): chr17:7,851,143, T>G. VCF-style: chr17-7851143-T-G. GRCh37 (hg19) VCF-style: chr17-7754461-T-G.
Other names: c.3796T>G, p.Trp1266Gly (NM_001080424.2); short protein forms W1266G.
Identifiers: ClinVar variation 4885973 (VCV004885973.2).

ClinVar aggregate classification (germline): Uncertain significance (1 of 4 stars; one submission).

Submission:

Dasa
Classification: Uncertain significance. Last evaluated: 2026-04-17. Review status: criteria provided, single submitter. Criteria: DASA Assertion Criteria. Collection method: clinical testing. Allele origin: germline.
Comment: NM_001348716.2(KDM6B):c.3796T>G (p.Trp1266Gly) is a missense variant that results in the substitution of tryptophan with glycine. This variant is rare in population databases. Computational prediction algorithms are consistent with a deleterious effect. The currently available literature and clinical evidence are not sufficient to establish a definitive association between this variant and the reported condition. Therefore, this variant is classified as a variant of uncertain significance.